The following is an entry in ClinVar:

ClinVar aggregate classification (germline): Likely pathogenic (1 of 4 stars; one submission).

Allele frequency attached by ClinVar (database versions not stated): gnomAD exomes below 0.00001.
gnomAD v4.1: 2 of 1,489,688 alleles (0.00013%); highest among the groups gnomAD compares: South Asian, 0.0014%; no homozygotes.

Submission:

Labcorp Genetics (formerly Invitae), Labcorp
Classification: Likely pathogenic. Last evaluated: 2021-05-01. Review status: criteria provided, single submitter. Criteria: Invitae Variant Classification Sherloc (09022015). Collection method: clinical testing. Allele origin: germline.
Comment: This sequence change affects a donor splice site in intron 1 of the LTBP2 gene. It is expected to disrupt RNA splicing. Variants that disrupt the donor or acceptor splice site typically lead to a loss of protein function (PMID: 16199547), and loss-of-function variants in LTBP2 are known to be pathogenic (PMID: 19361779, 22025892). This variant is not present in population databases (ExAC no frequency). This variant has not been reported in the literature in individuals with LTBP2-related conditions. Algorithms developed to predict the effect of sequence changes on RNA splicing suggest that this variant may disrupt the consensus splice site, but this prediction has not been confirmed by published transcriptional studies. In summary, the currently available evidence indicates that the variant is pathogenic, but additional data are needed to prove that conclusively. Therefore, this variant has been classified as Likely Pathogenic.

Literature cited by the submitters: PubMed 16199547; PubMed 19361779; PubMed 22025892.

NM_000428.3(LTBP2):c.494+1G>T

Gene: LTBP2 (latent transforming growth factor beta binding protein 2; minus strand). Cytogenetic location: 14q24.3.
Variant type: single nucleotide variant.
Coding change: c.494+1G>T on transcript NM_000428.3 (MANE Select); the canonical splice donor site of the intron after coding-DNA position 494, G replaced by T.
Molecular consequence: splice donor variant.
Genome position (GRCh38, 1-based): chr14:74,611,450, C>A on the plus strand (G>T on the coding strand, the complement: LTBP2 is on the minus strand). VCF-style: chr14-74611450-C-A. GRCh37 (hg19) VCF-style: chr14-75078153-C-A.
Identifiers: ClinVar variation 1346460 (VCV001346460.8), dbSNP rs2139815316, ClinGen allele CA390387332.
Genomic context (GRCh38, chr14:74,611,450, plus strand): 5'-CCTCCACAAATGAGCCCTGGCTCCCCTCTGTACCCTCCAAACTTCCCTCTCCCATGCTCA[C>A]CCCGTGAGCCGCCCTCGCGGCGGGGTTGGGGGCGCAGCCCCAGACCGCTGTGGGGTCCCC-3'